The following is an entry in ClinVar:

ClinVar aggregate classification (germline): Likely benign. Review status: criteria provided, multiple submitters, no conflicts (2 of 4 stars). 2 submissions from 2 submitters: Likely benign (2). Last evaluated 2025-05-10.

Conditions:
ADAMTS13-related disorder. Also called: ADAMTS13-related condition.

Submissions (2):

PreventionGenetics, part of Exact Sciences
Classification: Likely benign for ADAMTS13-related condition. Last evaluated: 2025-05-10. Review status: criteria provided, single submitter. Criteria: ACMG Guidelines, 2015. Collection method: clinical testing. Allele origin: germline.
Comment: This variant is classified as likely benign based on ACMG/AMP sequence variant interpretation guidelines (Richards et al. 2015 PMID: 25741868, with internal and published modifications).

Labcorp Genetics (formerly Invitae), Labcorp
Classification: Likely benign. Last evaluated: 2024-08-12. Review status: criteria provided, single submitter. Criteria: Invitae Variant Classification Sherloc (09022015). Collection method: clinical testing. Allele origin: germline.

NM_139027.6(ADAMTS13):c.1584+9G>T

Gene: ADAMTS13 (ADAM metallopeptidase with thrombospondin type 1 motif 13; plus strand). Cytogenetic location: 9q34.2.
Variant type: single nucleotide variant.
Coding change: c.1584+9G>T on transcript NM_139027.6 (MANE Select); 9 bases into the intron after coding-DNA position 1584, G replaced by T.
Molecular consequence: intron variant.
Genome position (GRCh38, 1-based): chr9:133,437,906, G>T. VCF-style: chr9-133437906-G-T. GRCh37 (hg19) VCF-style: chr9-136303026-G-T.
Other names: c.1584+9G>T (NM_139025.4, NM_139025.5); c.1491+9G>T (NM_139026.6).
Identifiers: ClinVar variation 3703526 (VCV003703526.3).